The following is an entry in ClinVar:

ClinVar aggregate classification (germline): Benign/Likely benign. Review status: criteria provided, multiple submitters, no conflicts (2 of 4 stars). 11 submissions from 11 submitters: Benign (1); Likely benign (8). 2 of the submissions do not count toward it. Last evaluated 2026-01-28.

Conditions:
RAD51D-related disorder. Also called: RAD51D-related condition.
Hereditary cancer-predisposing syndrome. Also called: Neoplastic Syndromes, Hereditary; Tumor predisposition; Hereditary Cancer Syndrome; Hereditary neoplastic syndrome. Identifiers: Orphanet 140162, MedGen C0027672, MeSH D009386, MONDO:0015356.
Breast-ovarian cancer, familial, susceptibility to, 4. Identifiers: Orphanet 145, MedGen C3280345, MONDO:0013669, OMIM 614291.

Allele frequency attached by ClinVar (database versions not stated): gnomAD exomes 0.00004 and 0.00008; ExAC 0.00010; ESP Exome Variant Server 0.00015; gnomAD 0.00021; TOPMed 0.00029; 1000 Genomes Project 30x 0.00062; 1000 Genomes Project 0.00080.
gnomAD v4.1: 96 of 1,611,324 alleles (0.006%); highest among the groups gnomAD compares: African/African-American, 0.11%; 1 homozygote.

Submissions (11):

Labcorp Genetics (formerly Invitae), Labcorp
Classification: Likely benign for Breast-ovarian cancer, familial, susceptibility to, 4. Last evaluated: 2026-01-28. Review status: criteria provided, single submitter. Criteria: Invitae Variant Classification Sherloc (09022015). Collection method: clinical testing. Allele origin: germline.

Myriad Genetics, Inc.
Classification: Likely benign for Breast-ovarian cancer, familial, susceptibility to, 4. Last evaluated: 2024-12-13. Review status: criteria provided, single submitter. Criteria: Myriad Autosomal Dominant, Autosomal Recessive and X-Linked Classification Criteria (2023). Collection method: clinical testing. Allele origin: unknown.
Comment: This variant is considered likely benign. This variant is strongly associated with less severe personal and family histories of cancer, typical for individuals without pathogenic variants in this gene [PMID: 25085752].

Color Diagnostics, LLC DBA Color Health
Classification: Likely benign for Hereditary cancer-predisposing syndrome. Last evaluated: 2024-09-19. Review status: criteria provided, single submitter. Criteria: ACMG Guidelines, 2015. Collection method: clinical testing. Allele origin: germline.

Quest Diagnostics Nichols Institute San Juan Capistrano
Classification: Likely benign. Last evaluated: 2022-12-09. Review status: criteria provided, single submitter. Criteria: Quest Diagnostics criteria. Collection method: clinical testing. Allele origin: unknown.

Sema4
Classification: Likely benign for Hereditary cancer-predisposing syndrome. Last evaluated: 2021-11-05. Review status: criteria provided, single submitter. Criteria: Sema4 Curation Guidelines. Collection method: curation. Allele origin: germline.

GeneDx
Classification: Likely benign. Last evaluated: 2020-11-19. Review status: criteria provided, single submitter. Criteria: GeneDx Variant Classification (06012015). Collection method: clinical testing. Allele origin: germline. Affected: yes.
Comment: In silico analysis, which includes protein predictors and evolutionary conservation, supports that this variant does not alter protein structure/function This variant is associated with the following publications: (PMID: 25980754)

Women's Health and Genetics/Laboratory Corporation of America, LabCorp
Classification: Benign. Last evaluated: 2019-07-18. Review status: criteria provided, single submitter. Criteria: LabCorp Variant Classification Summary - May 2015. Collection method: clinical testing. Allele origin: germline.
Comment: Variant summary: RAD51D c.983C>T (p.Thr328Ile) results in a non-conservative amino acid change in the encoded protein sequence. Three of five in-silico tools predict a benign effect of the variant on protein function. The variant allele was found at a frequency of 0.00011 in 282876 control chromosomes, predominantly at a frequency of 0.0012 within the African or African-American subpopulation in the gnomAD database, including 1 homozygotes. The observed variant frequency within African or African-American control individuals in the gnomAD database is approximately 10 fold of the estimated maximal expected allele frequency for a pathogenic variant in RAD51D causing Hereditary Breast and Ovarian Cancer phenotype (0.00013), strongly suggesting that the variant is a benign polymorphism found primarily in populations of African or African-American origin. The variant, c.983C>T, has been reported in the literature in individuals affected with Lynch syndromeassociated cancer and/or polyps (Yurgelun_2015). This report does not provide unequivocal conclusions about association of the variant with Hereditary Breast and Ovarian Cancer. Co-occurrence with a BRCA1 pathogenic variant has been reported (c.3598C>T, p.Gln1200X), providing supporting evidence for a benign role. To our knowledge, no experimental evidence demonstrating an impact on protein function has been reported. Seven ClinVar submissions (evaluation after 2014) cite the variant four times as likely benign and three times as uncertain significance. Based on the evidence outlined above, the variant was classified as benign.

Mendelics
Classification: Likely benign for Breast-ovarian cancer, familial, susceptibility to, 4. Last evaluated: 2019-05-28. Review status: criteria provided, single submitter. Criteria: Mendelics Assertion Criteria 2017. Collection method: clinical testing. Allele origin: unknown.

Ambry Genetics
Classification: Likely benign for Hereditary cancer-predisposing syndrome. Last evaluated: 2018-11-05. Review status: criteria provided, single submitter. Criteria: Ambry Variant Classification Scheme 2023. Collection method: clinical testing. Allele origin: germline.

PreventionGenetics, part of Exact Sciences
Classification: Likely benign for RAD51D-related condition. Last evaluated: 2019-06-11. Review status: no assertion criteria provided. Collection method: clinical testing. Allele origin: germline. Not counted in ClinVar's aggregate classification.
Comment: This variant is classified as likely benign based on ACMG/AMP sequence variant interpretation guidelines (Richards et al. 2015 PMID: 25741868, with internal and published modifications).

Counsyl
Classification: Uncertain significance for Breast-ovarian cancer, familial, susceptibility to, 4. Last evaluated: 2016-06-09. Review status: no assertion criteria provided. Collection method: clinical testing. Allele origin: unknown. Not counted in ClinVar's aggregate classification.

Literature cited by the submitters: PubMed 25085752 (cited by Myriad Genetics, Inc.); PubMed 25980754 (cited by 3 submitters); PubMed 30706980 (cited by Quest Diagnostics Nichols Institute San Juan Capistrano and Women's Health and Genetics/Laboratory Corporation of America, LabCorp); PubMed 26689913 (cited by Women's Health and Genetics/Laboratory Corporation of America, LabCorp).

NM_002878.4(RAD51D):c.983C>T (p.Thr328Ile)

Genes: RAD51D (RAD51 paralog D; minus strand), RAD51L3-RFFL (RAD51L3-RFFL readthrough; minus strand). Cytogenetic location: 17q12.
Variant type: single nucleotide variant.
Coding change: c.983C>T on transcript NM_002878.4 (MANE Select); coding-DNA position 983, C replaced by T.
Protein change: p.Thr328Ile; replaces threonine 328 with isoleucine.
Molecular consequence: missense variant. On other transcripts: non-coding transcript variant (2).
Genome position (GRCh38, 1-based): chr17:35,100,957, G>A on the plus strand (C>T on the coding strand, the complement: RAD51D is on the minus strand). VCF-style: chr17-35100957-G-A. GRCh37 (hg19) VCF-style: chr17-33427976-G-A.
Other names: p.T328I:ACA>ATA; c.1043C>T, p.Thr348Ile (NM_001142571.2); c.647C>T, p.Thr216Ile (NM_133629.3); short protein forms T328I, T348I, T216I.
Identifiers: ClinVar variation 141343 (VCV000141343.33), dbSNP rs138969595, ClinGen allele CA294126.
Genomic context (GRCh38, chr17:35,100,957, plus strand): 5'-AAGAAAAGTTGGGAGGGGTCCCCAATGCTTCCCTGTTTCCCAAACAACAGCACAGGTCAT[G>A]TCTGATCACCCTGTAATGTGGCACTCTGCTCTGAGGTCCCCCAGGTCCCAATGTCTACCA-3'
Protein context (NP_002869.3, residues 318-328): EQSATLQGDQ[Thr328Ile]